The following is an entry in ClinVar:

NM_003839.4(TNFRSF11A):c.447_448del (p.Cys151fs)

Gene: TNFRSF11A (TNF receptor superfamily member 11a; plus strand). Cytogenetic location: 18q21.33.
Variant type: Deletion.
Coding change: c.447_448del on transcript NM_003839.4 (MANE Select); coding-DNA positions 447 to 448, 2 bases deleted (AG; older notation c.447_448delAG).
Protein change: p.Cys151fs; shifts the reading frame from cysteine 151.
Molecular consequence: frameshift variant. On other transcripts: intron variant (1).
Genome position (GRCh38, 1-based): chr18:62,358,267-62,358,268, AG deleted. VCF-style (leftmost placement, unchanged base first): chr18-62358266-CAG-C. GRCh37 (hg19) VCF-style: chr18-60025499-CAG-C.
Other names: c.447_448del, p.Cys151fs (NM_001270949.2, NM_001270950.2, NM_001270951.2); c.428-23_428-22del (NM_001278268.2); short protein forms C151fs.
Identifiers: ClinVar variation 2991161 (VCV002991161.3), dbSNP rs932936700, ClinGen allele CA301696763.
Genomic context (GRCh38, chr18:62,358,266, plus strand): 5'-TGTTTGTTCTGTCTGGGTTGTTTTTTTTTTTTTTTCTCACAGTGCAGCTCAACAAGGACA[CAG>C]TGTGCAAACCTTGCCTTGCAGGCTACTTCTCTGATGCCTTTTCCTCCACGGACAAATGCA-3'

ClinVar aggregate classification (germline): Pathogenic (1 of 4 stars; one submission).

Allele frequency attached by ClinVar (database versions not stated): gnomAD 0.00003; TOPMed 0.00003.

Submission:

Labcorp Genetics (formerly Invitae), Labcorp
Classification: Pathogenic. Last evaluated: 2023-04-03. Review status: criteria provided, single submitter. Criteria: Invitae Variant Classification Sherloc (09022015). Collection method: clinical testing. Allele origin: germline.
Comment: For these reasons, this variant has been classified as Pathogenic. This variant has not been reported in the literature in individuals affected with TNFRSF11A-related conditions. This variant is not present in population databases (gnomAD no frequency). This sequence change creates a premature translational stop signal (p.Cys151Glnfs*10) in the TNFRSF11A gene. It is expected to result in an absent or disrupted protein product. Loss-of-function variants in TNFRSF11A are known to be pathogenic (PMID: 10677500, 18606301, 22271396).

Literature cited by the submitters: PubMed 10677500; PubMed 18606301; PubMed 22271396.